The following is an entry in ClinVar:

ClinVar aggregate classification (germline): Uncertain significance (1 of 4 stars; one submission).

Conditions:
Hereditary cancer-predisposing syndrome. Also called: Neoplastic Syndromes, Hereditary; Tumor predisposition; Hereditary Cancer Syndrome; Hereditary neoplastic syndrome. Identifiers: Orphanet 140162, MedGen C0027672, MeSH D009386, MONDO:0015356.

Submission:

Ambry Genetics
Classification: Uncertain significance for Hereditary cancer-predisposing syndrome. Last evaluated: 2024-05-14. Review status: criteria provided, single submitter. Criteria: Ambry Variant Classification Scheme 2023. Collection method: clinical testing. Allele origin: germline.
Comment: The p.C230Y variant (also known as c.689G>A), located in coding exon 7 of the TSC2 gene, results from a G to A substitution at nucleotide position 689. The cysteine at codon 230 is replaced by tyrosine, an amino acid with highly dissimilar properties. This amino acid position is highly conserved in available vertebrate species. In addition, this alteration is predicted to be deleterious by in silico analysis. Since supporting evidence is limited at this time, the clinical significance of this alteration remains unclear.

NM_000548.5(TSC2):c.689G>A (p.Cys230Tyr)

Gene: TSC2 (TSC complex subunit 2; plus strand). Cytogenetic location: 16p13.3.
Variant type: single nucleotide variant.
Coding change: c.689G>A on transcript NM_000548.5 (MANE Select); coding-DNA position 689, G replaced by A.
Protein change: p.Cys230Tyr; replaces cysteine 230 with tyrosine.
Molecular consequence: missense variant.
Genome position (GRCh38, 1-based): chr16:2,056,684, G>A. VCF-style: chr16-2056684-G-A. GRCh37 (hg19) VCF-style: chr16-2106685-G-A.
Other names: c.689G>A, p.Cys230Tyr (NM_001077183.3, NM_001114382.3, NM_001363528.2 and 6 more transcripts); c.578G>A, p.Cys193Tyr (NM_001318827.2, NM_001406670.1, NM_001406678.1); c.542G>A, p.Cys181Tyr (NM_001318829.2, NM_001406675.1, NM_001406676.1 and 1 more transcripts); c.89G>A, p.Cys30Tyr (NM_001318831.2, NM_001406680.1, NM_001406682.1 and 6 more transcripts); c.722G>A, p.Cys241Tyr (NM_001318832.2); c.779G>A, p.Cys260Tyr (NM_001406667.1, NM_001406668.1); c.677G>A, p.Cys226Tyr (NM_001406671.1, NM_001406673.1); c.632G>A, p.Cys211Tyr (NM_001406677.1); and 4 more; short protein forms C76Y, C226Y, C241Y, C193Y, C181Y, C211Y, C230Y, C260Y.
Identifiers: ClinVar variation 1756039 (VCV001756039.3), dbSNP rs1238176703, ClinGen allele CA394312580.
Genomic context (GRCh38, chr16:2,056,684, plus strand): 5'-GCCGTCTCCCTCTCCACCAGGTCTCCCTGCAGGTGCTGGACGCCGTGGTCTGCTACAACT[G>A]CCTGCCGGCTGAGAGCCTCCCGCTGTTCATCGTTACCCTCTGTCGCACCATCAACGTCAA-3'
Protein context (NP_000539.2, residues 220-240): QVLDAVVCYN[Cys230Tyr]LPAESLPLFI